The following is an entry in ClinVar:

NM_020911.2(PLXNA4):c.2158A>G (p.Ile720Val)

Gene: PLXNA4 (plexin A4; minus strand). Cytogenetic location: 7q32.3.
Variant type: single nucleotide variant.
Coding change: c.2158A>G on transcript NM_020911.2 (MANE Select); coding-DNA position 2158, A replaced by G.
Protein change: p.Ile720Val; replaces isoleucine 720 with valine.
Molecular consequence: missense variant.
Genome position (GRCh38, 1-based): chr7:132,211,083, T>C on the plus strand (A>G on the coding strand, the complement: PLXNA4 is on the minus strand). VCF-style: chr7-132211083-T-C. GRCh37 (hg19) VCF-style: chr7-131895842-T-C.
Other names: c.2158A>G, p.Ile720Val (NM_001393897.1); short protein forms I720V.
Identifiers: ClinVar variation 4987386 (VCV004987386.1).

ClinVar aggregate classification (germline): Uncertain significance (1 of 4 stars; one submission).

Conditions:
PLXNA4-related disorder. Also called: PLXNA4-related condition.

gnomAD v4.1: 12 of 1,600,308 alleles (0.00075%); highest among the groups gnomAD compares: African/African-American, 0.0027%; no homozygotes.

Submission:

PreventionGenetics, part of Exact Sciences
Classification: Uncertain significance for PLXNA4-related condition. Last evaluated: 2025-01-15. Review status: criteria provided, single submitter. Criteria: ACMG Guidelines, 2015. Collection method: clinical testing. Allele origin: germline.
Comment: The PLXNA4 c.2158A>G variant is predicted to result in the amino acid substitution p.Ile720Val. To our knowledge, this variant has not been reported in the literature. This variant is reported in 0.0079% of alleles in individuals of African descent in gnomAD. At this time, the clinical significance of this variant is uncertain due to the absence of conclusive functional and genetic evidence.